The following is an entry in ClinVar:

NM_001377405.1(ATXN7):c.1837C>G (p.Pro613Ala)

Gene: ATXN7 (ataxin 7; plus strand). Cytogenetic location: 3p14.1.
Variant type: single nucleotide variant.
Coding change: c.1837C>G on transcript NM_001377405.1 (MANE Select); coding-DNA position 1837, C replaced by G.
Protein change: p.Pro613Ala; replaces proline 613 with alanine.
Molecular consequence: missense variant.
Genome position (GRCh38, 1-based): chr3:63,995,659, C>G. VCF-style: chr3-63995659-C-G. GRCh37 (hg19) VCF-style: chr3-63981335-C-G.
Other names: c.1837C>G, p.Pro613Ala (NM_000333.4, NM_001177387.1, NM_001377406.1); c.1402C>G, p.Pro468Ala (NM_001128149.3); short protein forms P468A, P613A.
Identifiers: ClinVar variation 2343617 (VCV002343617.4), dbSNP rs199514376, ClinGen allele CA2478693.

ClinVar aggregate classification (germline): Conflicting classifications of pathogenicity. Review status: criteria provided, conflicting classifications (1 of 4 stars). 2 submissions from 2 submitters: Uncertain significance (1); Likely benign (1). Last evaluated 2026-07-01.

Conditions:
Inborn genetic diseases. Identifiers: MedGen C0950123, MeSH D030342.

Allele frequency attached by ClinVar (database versions not stated): ExAC 0.00031; gnomAD exomes 0.00034; gnomAD 0.00037; TOPMed 0.00038; ESP Exome Variant Server 0.00069.
gnomAD v4.1: 536 of 1,614,064 alleles (0.033%); highest among the groups gnomAD compares: Non-Finnish European, 0.042%; no homozygotes.

Submissions (2):

CeGaT Center for Human Genetics Tuebingen
Classification: Likely benign. Last evaluated: 2026-07-01. Review status: criteria provided, single submitter. Criteria: CeGaT Center For Human Genetics Tuebingen Variant Classification Criteria Version 2. Collection method: clinical testing. Allele origin: germline. Affected: yes. Observed: 1 variant allele.
Comment: ATXN7: BP4

Ambry Genetics
Classification: Uncertain significance for Inborn genetic diseases. Last evaluated: 2024-08-11. Review status: criteria provided, single submitter. Criteria: Ambry Variant Classification Scheme 2023. Collection method: clinical testing. Allele origin: germline.